The following is an entry in ClinVar:

ClinVar aggregate classification (germline): Uncertain significance (1 of 4 stars; one submission).

Conditions:
Aortic aneurysm, familial thoracic 6 (AAT6). Also called: FAMILIAL THORACIC AORTIC ANEURYSM WITH LIVEDO RETICULARIS AND IRIS FLOCCULI. Identifiers: MedGen C2673186, MONDO:0012730, OMIM 611788.

Submission:

Labcorp Genetics (formerly Invitae), Labcorp
Classification: Uncertain significance for Aortic aneurysm, familial thoracic 6. Last evaluated: 2024-03-06. Review status: criteria provided, single submitter. Criteria: Invitae Variant Classification Sherloc (09022015). Collection method: clinical testing. Allele origin: germline.
Comment: This sequence change replaces serine, which is neutral and polar, with proline, which is neutral and non-polar, at codon 35 of the ACTA2 protein (p.Ser35Pro). This variant is not present in population databases (gnomAD no frequency). This variant has not been reported in the literature in individuals affected with ACTA2-related conditions. Advanced modeling of protein sequence and biophysical properties (such as structural, functional, and spatial information, amino acid conservation, physicochemical variation, residue mobility, and thermodynamic stability) performed at Invitae indicates that this missense variant is not expected to disrupt ACTA2 protein function with a negative predictive value of 80%. In summary, the available evidence is currently insufficient to determine the role of this variant in disease. Therefore, it has been classified as a Variant of Uncertain Significance.

NM_001613.4(ACTA2):c.103T>C (p.Ser35Pro)

Gene: ACTA2 (actin alpha 2, smooth muscle; minus strand). Cytogenetic location: 10q23.31.
Variant type: single nucleotide variant.
Coding change: c.103T>C on transcript NM_001613.4 (MANE Select); coding-DNA position 103, T replaced by C.
Protein change: p.Ser35Pro; replaces serine 35 with proline.
Molecular consequence: missense variant.
Genome position (GRCh38, 1-based): chr10:88,948,828, A>G on the plus strand (T>C on the coding strand, the complement: ACTA2 is on the minus strand). VCF-style: chr10-88948828-A-G. GRCh37 (hg19) VCF-style: chr10-90708585-A-G.
Other names: c.103T>C, p.Ser35Pro (NM_001141945.3, NM_001320855.2, NM_001406462.1 and 7 more transcripts); short protein forms S35P.
Identifiers: ClinVar variation 3643782 (VCV003643782.2).